The following is an entry in ClinVar:

ClinVar aggregate classification (germline): Uncertain significance (1 of 4 stars; one submission).

Allele frequency attached by ClinVar (database versions not stated): gnomAD exomes below 0.00001; ExAC 0.00001.
gnomAD v4.1: 1 of 1,613,530 alleles (0.000062%); highest among the groups gnomAD compares: South Asian, 0.0011%; no homozygotes.

Submission:

Labcorp Genetics (formerly Invitae), Labcorp
Classification: Uncertain significance. Last evaluated: 2023-10-18. Review status: criteria provided, single submitter. Criteria: Invitae Variant Classification Sherloc (09022015). Collection method: clinical testing. Allele origin: germline.
Comment: This sequence change replaces arginine, which is basic and polar, with tryptophan, which is neutral and slightly polar, at codon 97 of the GPAA1 protein (p.Arg97Trp). This variant is not present in population databases (gnomAD no frequency). This variant has not been reported in the literature in individuals affected with GPAA1-related conditions. ClinVar contains an entry for this variant (Variation ID: 1716318). Advanced modeling of protein sequence and biophysical properties (such as structural, functional, and spatial information, amino acid conservation, physicochemical variation, residue mobility, and thermodynamic stability) performed at Invitae indicates that this missense variant is not expected to disrupt GPAA1 protein function. In summary, the available evidence is currently insufficient to determine the role of this variant in disease. Therefore, it has been classified as a Variant of Uncertain Significance.

NM_003801.4(GPAA1):c.289C>T (p.Arg97Trp)

Gene: GPAA1 (glycosylphosphatidylinositol anchor attachment 1; plus strand). Cytogenetic location: 8q24.3.
Variant type: single nucleotide variant.
Coding change: c.289C>T on transcript NM_003801.4 (MANE Select); coding-DNA position 289, C replaced by T.
Protein change: p.Arg97Trp; replaces arginine 97 with tryptophan.
Molecular consequence: missense variant.
Genome position (GRCh38, 1-based): chr8:144,083,423, C>T. VCF-style: chr8-144083423-C-T. GRCh37 (hg19) VCF-style: chr8-145138326-C-T.
Other names: short protein forms R97W.
Identifiers: ClinVar variation 1716318 (VCV001716318.5), dbSNP rs782580004, ClinGen allele CA4932765.
Genomic context (GRCh38, chr8:144,083,423, plus strand): 5'-CTCAGAGGCTCCCTTCGTGTCTGCAGGGCTCTGCCAGTGGCCTGGCTTGAACGGACGATG[C>T]GGTCAGTAGGGCTGGAGGTCTACACGCAGAGTTTCTCCCGGAAACTGCCCTTCCCAGATG-3'
Protein context (NP_003792.1, residues 87-107): LPVAWLERTM[Arg97Trp]SVGLEVYTQS